The following is an entry in ClinVar:

ClinVar aggregate classification (germline): Uncertain significance (1 of 4 stars; one submission).

Conditions:
Hereditary cancer-predisposing syndrome. Also called: Neoplastic Syndromes, Hereditary; Hereditary Cancer Syndrome; Tumor predisposition; Hereditary neoplastic syndrome. Identifiers: Orphanet 140162, MedGen C0027672, MeSH D009386, MONDO:0015356.

Submission:

Ambry Genetics
Classification: Uncertain significance for Hereditary cancer-predisposing syndrome. Last evaluated: 2025-01-13. Review status: criteria provided, single submitter. Criteria: Ambry Variant Classification Scheme 2023. Collection method: clinical testing. Allele origin: germline.
Comment: The p.S752A variant (also known as c.2254T>G), located in coding exon 20 of the POLE gene, results from a T to G substitution at nucleotide position 2254. The serine at codon 752 is replaced by alanine, an amino acid with similar properties. This amino acid position is conserved. In addition, this alteration is predicted to be tolerated by in silico analysis. Based on the available evidence, the clinical significance of this variant remains unclear.

NM_006231.4(POLE):c.2254T>G (p.Ser752Ala)

Gene: POLE (DNA polymerase epsilon, catalytic subunit; minus strand). Cytogenetic location: 12q24.33.
Variant type: single nucleotide variant.
Coding change: c.2254T>G on transcript NM_006231.4 (MANE Select); coding-DNA position 2254, T replaced by G.
Protein change: p.Ser752Ala; replaces serine 752 with alanine.
Molecular consequence: missense variant.
Genome position (GRCh38, 1-based): chr12:132,667,568, A>C on the plus strand (T>G on the coding strand, the complement: POLE is on the minus strand). VCF-style: chr12-132667568-A-C. GRCh37 (hg19) VCF-style: chr12-133244154-A-C.
Other names: short protein forms S752A.
Identifiers: ClinVar variation 3781557 (VCV003781557.1).